The following is an entry in ClinVar:

NM_015261.3(NCAPD3):c.2816A>G (p.Lys939Arg)

Gene: NCAPD3 (non-SMC condensin II complex subunit D3; minus strand). Cytogenetic location: 11q25.
Variant type: single nucleotide variant.
Coding change: c.2816A>G on transcript NM_015261.3 (MANE Select); coding-DNA position 2816, A replaced by G.
Protein change: p.Lys939Arg; replaces lysine 939 with arginine.
Molecular consequence: missense variant.
Genome position (GRCh38, 1-based): chr11:134,177,424, T>C on the plus strand (A>G on the coding strand, the complement: NCAPD3 is on the minus strand). VCF-style: chr11-134177424-T-C. GRCh37 (hg19) VCF-style: chr11-134047319-T-C.
Other names: c.2816A>G, p.Lys939Arg (NM_001372065.1, NM_001372068.1); c.2402A>G, p.Lys801Arg (NM_001372069.1, NM_001372070.1); c.2816A>G (NM_015261.2); short protein forms K801R, K939R.
Identifiers: ClinVar variation 2434068 (VCV002434068.6), dbSNP rs143359995, ClinGen allele CA6371119.

ClinVar aggregate classification (germline): Conflicting classifications of pathogenicity. Review status: criteria provided, conflicting classifications (1 of 4 stars). 3 submissions from 3 submitters: Uncertain significance (1); Likely benign (1). 1 of the submissions does not count toward it. Last evaluated 2024-11-22.

Conditions:
Microcephaly 22, primary, autosomal recessive. Identifiers: MedGen C4693834, MONDO:0054805, OMIM 617984.
NCAPD3-related disorder. Also called: NCAPD3-related condition.

Allele frequency attached by ClinVar (database versions not stated): 1000 Genomes Project 30x 0.00031; 1000 Genomes Project 0.00040; ESP Exome Variant Server 0.00092; gnomAD 0.00123; ExAC 0.00132; gnomAD exomes 0.00159.
gnomAD v4.1: 2,485 of 1,614,108 alleles (0.15%); highest among the groups gnomAD compares: Non-Finnish European, 0.18%; 3 homozygotes.

Submissions (3):

Blueprint Genetics
Classification: Likely benign. Last evaluated: 2024-11-22. Review status: criteria provided, single submitter. Criteria: ACMG Guidelines, 2015. Collection method: clinical testing. Allele origin: germline.

Revvity Omics, Revvity
Classification: Uncertain significance for Microcephaly 22, primary, autosomal recessive. Last evaluated: 2020-12-09. Review status: criteria provided, single submitter. Criteria: ACMG Guidelines, 2015. Collection method: clinical testing. Allele origin: germline.

PreventionGenetics, part of Exact Sciences
Classification: Likely benign for NCAPD3-related condition. Last evaluated: 2022-12-21. Review status: no assertion criteria provided. Collection method: clinical testing. Allele origin: germline. Not counted in ClinVar's aggregate classification.
Comment: This variant is classified as likely benign based on ACMG/AMP sequence variant interpretation guidelines (Richards et al. 2015 PMID: 25741868, with internal and published modifications).